The following is an entry in ClinVar:

ClinVar aggregate classification (germline): Likely benign. Review status: criteria provided, multiple submitters, no conflicts (2 of 4 stars). 3 submissions from 3 submitters: Likely benign (3). Last evaluated 2025-09-08.

Conditions:
Left ventricular noncompaction 8 (LVNC8). Identifiers: Orphanet 154, Orphanet 54260, MedGen C3809288, MONDO:0014152, OMIM 615373.

Allele frequency attached by ClinVar (database versions not stated): ExAC 0.00003; gnomAD 0.00009; TOPMed 0.00012; 1000 Genomes Project 30x 0.00016; 1000 Genomes Project 0.00020.
gnomAD v4.1: 43 of 1,586,080 alleles (0.0027%); highest among the groups gnomAD compares: African/African-American, 0.032%; no homozygotes.

Submissions (3):

Labcorp Genetics (formerly Invitae), Labcorp
Classification: Likely benign for Left ventricular noncompaction 8. Last evaluated: 2025-09-08. Review status: criteria provided, single submitter. Criteria: Invitae Variant Classification Sherloc (09022015). Collection method: clinical testing. Allele origin: germline.

GeneDx
Classification: Likely benign. Last evaluated: 2021-05-11. Review status: criteria provided, single submitter. Criteria: GeneDx Variant Classification Process June 2021. Collection method: clinical testing. Allele origin: germline. Affected: yes.

Laboratory for Molecular Medicine, Mass General Brigham Personalized Medicine
Classification: Likely benign. Last evaluated: 2015-03-21. Review status: criteria provided, single submitter. Criteria: LMM Criteria. Collection method: clinical testing. Allele origin: germline. Observed: 1 variant allele.
Comment: p.Thr952Thr in exon 11 of PRDM16: This variant is not expected to have clinical significance because it does not alter an amino acid residue and is not located within the splice consensus sequence. It has been identified in 2/8686 African c hromosomes by the Exome Aggregation Consortium (ExAC .org).

NM_022114.4(PRDM16):c.2856G>A (p.Thr952=)

Gene: PRDM16 (PR/SET domain 16; plus strand). Cytogenetic location: 1p36.32.
Variant type: single nucleotide variant.
Coding change: c.2856G>A on transcript NM_022114.4 (MANE Select); coding-DNA position 2856, G replaced by A.
Protein change: p.Thr952=; no amino-acid change (threonine 952 retained).
Molecular consequence: synonymous variant.
Genome position (GRCh38, 1-based): chr1:3,417,992, G>A. VCF-style: chr1-3417992-G-A. GRCh37 (hg19) VCF-style: chr1-3334556-G-A.
Other names: c.2856G>A, p.Thr952= (NM_199454.3).
Identifiers: ClinVar variation 227867 (VCV000227867.16), dbSNP rs563342786, ClinGen allele CA544629.